The following is an entry in ClinVar:

ClinVar aggregate classification (germline): Uncertain significance. Review status: criteria provided, multiple submitters, no conflicts (2 of 4 stars). 2 submissions from 2 submitters: Uncertain significance (2). Last evaluated 2023-07-25.

Conditions:
Inborn genetic diseases. Identifiers: MedGen C0950123, MeSH D030342.

gnomAD v4.1: 4 of 1,609,584 alleles (0.00025%); highest among the groups gnomAD compares: East Asian, 0.0089%; no homozygotes.

Submissions (2):

Labcorp Genetics (formerly Invitae), Labcorp
Classification: Uncertain significance. Last evaluated: 2023-07-25. Review status: criteria provided, single submitter. Criteria: Invitae Variant Classification Sherloc (09022015). Collection method: clinical testing. Allele origin: germline.
Comment: In summary, the available evidence is currently insufficient to determine the role of this variant in disease. Therefore, it has been classified as a Variant of Uncertain Significance. An algorithm developed to predict the effect of missense changes on protein structure and function (PolyPhen-2) suggests that this variant is likely to be tolerated. ClinVar contains an entry for this variant (Variation ID: 2547967). This sequence change replaces leucine, which is neutral and non-polar, with valine, which is neutral and non-polar, at codon 15 of the POGLUT1 protein (p.Leu15Val). This variant is present in population databases (no rsID available, gnomAD 0.02%). This variant has not been reported in the literature in individuals affected with POGLUT1-related conditions.

Ambry Genetics
Classification: Uncertain significance for Inborn genetic diseases. Last evaluated: 2023-05-17. Review status: criteria provided, single submitter. Criteria: Ambry Variant Classification Scheme 2023. Collection method: clinical testing. Allele origin: germline.

NM_152305.3(POGLUT1):c.43T>G (p.Leu15Val)

Gene: POGLUT1 (protein O-glucosyltransferase 1; plus strand). Cytogenetic location: 3q13.33.
Variant type: single nucleotide variant.
Coding change: c.43T>G on transcript NM_152305.3 (MANE Select); coding-DNA position 43, T replaced by G.
Protein change: p.Leu15Val; replaces leucine 15 with valine.
Molecular consequence: missense variant. On other transcripts: non-coding transcript variant (1).
Genome position (GRCh38, 1-based): chr3:119,469,064, T>G. VCF-style: chr3-119469064-T-G. GRCh37 (hg19) VCF-style: chr3-119187911-T-G.
Other names: c.43T>G, p.Leu15Val (NM_020231.3); short protein forms L15V.
Identifiers: ClinVar variation 2547967 (VCV002547967.5), dbSNP rs1352634929, ClinGen allele CA354034227.